The following is an entry in ClinVar:

NM_014494.4(TNRC6A):c.4919A>G (p.Asn1640Ser)

Gene: TNRC6A (trinucleotide repeat containing adaptor 6A; plus strand). Cytogenetic location: 16p12.1.
Variant type: single nucleotide variant.
Coding change: c.4919A>G on transcript NM_014494.4 (MANE Select); coding-DNA position 4919, A replaced by G.
Protein change: p.Asn1640Ser; replaces asparagine 1640 with serine.
Molecular consequence: missense variant.
Genome position (GRCh38, 1-based): chr16:24,816,903, A>G. VCF-style: chr16-24816903-A-G. GRCh37 (hg19) VCF-style: chr16-24828224-A-G.
Other names: c.4772A>G, p.Asn1591Ser (NM_001330520.3); c.4799A>G, p.Asn1600Ser (NM_001351850.2); c.4919A>G, p.Asn1640Ser (NM_020847.1); short protein forms N1591S, N1600S, N1640S.
Identifiers: ClinVar variation 2646337 (VCV002646337.24), dbSNP rs151084118, ClinGen allele CA7969443.

ClinVar aggregate classification (germline): Benign (1 of 4 stars; one submission).

Allele frequency attached by ClinVar (database versions not stated): ESP Exome Variant Server 0.00031; TOPMed 0.00038; gnomAD 0.00071; gnomAD exomes 0.00112; ExAC 0.00224; 1000 Genomes Project 30x 0.00359; 1000 Genomes Project 0.00419.
gnomAD v4.1: 1,758 of 1,614,122 alleles (0.11%); highest among the groups gnomAD compares: South Asian, 1.3%; 21 homozygotes.

Submission:

CeGaT Center for Human Genetics Tuebingen
Classification: Benign. Last evaluated: 2023-01-01. Review status: criteria provided, single submitter. Criteria: CeGaT Center For Human Genetics Tuebingen Variant Classification Criteria Version 2. Collection method: clinical testing. Allele origin: germline. Affected: yes. Observed: 1 variant allele.
Comment: TNRC6A: BS1, BS2